The following is an entry in ClinVar:

ClinVar aggregate classification (germline): Pathogenic (1 of 4 stars; one submission).

Conditions:
Surfactant metabolism dysfunction, pulmonary, 4 (SMDP4). Also called: CSF2RA DEFICIENCY; PAP DUE TO CSF2RA DEFICIENCY; PULMONARY ALVEOLAR PROTEINOSIS, CONGENITAL, 4. Identifiers: Orphanet 264675, MedGen C2677877, MONDO:0010424, OMIM 300770.

Submission:

Labcorp Genetics (formerly Invitae), Labcorp
Classification: Pathogenic for Surfactant metabolism dysfunction, pulmonary, 4. Last evaluated: 2021-02-18. Review status: criteria provided, single submitter. Criteria: Invitae Variant Classification Sherloc (09022015). Collection method: clinical testing. Allele origin: germline.
Comment: For these reasons, this variant has been classified as Pathogenic. Loss-of-function variants in CSF2RA are known to be pathogenic (PMID: 20622029, 25425184). This variant has not been reported in the literature in individuals with CSF2RA-related conditions. This variant is not present in population databases (ExAC no frequency). This sequence change creates a premature translational stop signal (p.Leu183Cysfs*4) in the CSF2RA gene. It is expected to result in an absent or disrupted protein product.

Literature cited by the submitters: PubMed 20622029; PubMed 25425184.

NM_172245.4(CSF2RA):c.547del (p.Leu183fs)

Gene: CSF2RA (colony stimulating factor 2 receptor subunit alpha; plus strand). Cytogenetic location: Xp22.33.
Variant type: Deletion.
Coding change: c.547del on transcript NM_172245.4 (MANE Select); coding-DNA position 547, one base deleted (C; older notation c.547delC).
Protein change: p.Leu183fs; shifts the reading frame from leucine 183.
Molecular consequence: frameshift variant. On other transcripts: non-coding transcript variant (1).
Genome position (GRCh38, 1-based): chrX:1,290,410, C deleted; the last of 2 consecutive C bases (chrX:1,290,409-1,290,410); deleting either gives the same sequence. VCF-style (leftmost placement, unchanged base first): chrX-1290408-AC-A. GRCh37 (hg19) VCF-style: chrX-1409301-AC-A.
Other names: c.547del, p.Leu183fs (NM_001161529.2, NM_001161530.2, NM_001161531.2 and 20 more transcripts); c.148del, p.Leu50fs (NM_001161532.2); short protein forms L183fs, L50fs.
Identifiers: ClinVar variation 1075180 (VCV001075180.7), dbSNP rs2148417003, ClinGen allele CA2580615359.